The following is an entry in ClinVar:

ClinVar aggregate classification (germline): Benign/Likely benign. Review status: criteria provided, multiple submitters, no conflicts (2 of 4 stars). 2 submissions from 2 submitters: Benign (1); Likely benign (1). Last evaluated 2025-08-01.

Allele frequency attached by ClinVar (database versions not stated): 1000 Genomes Project 0.00300; 1000 Genomes Project 30x 0.00328; TOPMed 0.00461; ESP Exome Variant Server 0.00484; ExAC 0.00512; gnomAD exomes 0.00518 and 0.00538; gnomAD 0.00575 and 0.00595.
gnomAD v4.1: 8,702 of 1,612,802 alleles (0.54%); highest among the groups gnomAD compares: Admixed American, 0.69%; 38 homozygotes.

Submissions (2):

CeGaT Center for Human Genetics Tuebingen
Classification: Likely benign. Last evaluated: 2025-08-01. Review status: criteria provided, single submitter. Criteria: CeGaT Center For Human Genetics Tuebingen Variant Classification Criteria Version 2. Collection method: clinical testing. Allele origin: germline. Affected: yes. Observed: 18 variant alleles.
Comment: BLTP1: BP4, BP7, BS2

Labcorp Genetics (formerly Invitae), Labcorp
Classification: Benign. Last evaluated: 2019-12-31. Review status: criteria provided, single submitter. Criteria: Invitae Variant Classification Sherloc (09022015). Collection method: clinical testing. Allele origin: germline.

NM_001384125.1(BLTP1):c.14640G>A (p.Leu4880=)

Gene: BLTP1 (bridge-like lipid transfer protein family member 1; plus strand). Cytogenetic location: 4q27.
Variant type: single nucleotide variant.
Coding change: c.14640G>A on transcript NM_001384125.1 (MANE Select); coding-DNA position 14640, G replaced by A.
Protein change: p.Leu4880=; no amino-acid change (leucine 4880 retained).
Molecular consequence: synonymous variant.
Genome position (GRCh38, 1-based): chr4:122,355,866, G>A. VCF-style: chr4-122355866-G-A. GRCh37 (hg19) VCF-style: chr4-123277021-G-A.
Other names: c.14376G>A, p.Leu4792= (NM_015312.4).
Identifiers: ClinVar variation 791986 (VCV000791986.38), dbSNP rs142747603, ClinGen allele CA3068383.